The following is an entry in ClinVar:

NM_017780.4(CHD7):c.5050+6T>A

Gene: CHD7 (chromodomain helicase DNA binding protein 7; plus strand). Cytogenetic location: 8q12.2.
Variant type: single nucleotide variant.
Coding change: c.5050+6T>A on transcript NM_017780.4 (MANE Select); 6 bases into the intron after coding-DNA position 5050, T replaced by A.
Molecular consequence: intron variant.
Genome position (GRCh38, 1-based): chr8:60,845,069, T>A. VCF-style: chr8-60845069-T-A. GRCh37 (hg19) VCF-style: chr8-61757628-T-A.
Other names: c.1717-17160T>A (NM_001316690.1).
Identifiers: ClinVar variation 4721052 (VCV004721052.1).

ClinVar aggregate classification (germline): Uncertain significance (1 of 4 stars; one submission).

Conditions:
CHARGE syndrome (CHARGE). Also called: Hittner Hirsch Kreh syndrome; CHARGE ASSOCIATION--COLOBOMA, HEART ANOMALY, CHOANAL ATRESIA, RETARDATION, GENITAL AND EAR ANOMALIES; Coloboma, heart anomaly, choanal atresia, retardation, genital and ear anomalies; CHARGE association; Hall-Hittner syndrome. Identifiers: Orphanet 138, MedGen C0265354, MONDO:0008965.

Submission:

Labcorp Genetics (formerly Invitae), Labcorp
Classification: Uncertain significance for CHARGE syndrome. Last evaluated: 2025-06-15. Review status: criteria provided, single submitter. Criteria: Invitae Variant Classification Sherloc (09022015). Collection method: clinical testing. Allele origin: germline.
Comment: This sequence change falls in intron 22 of the CHD7 gene. It does not directly change the encoded amino acid sequence of the CHD7 protein. It affects a nucleotide within the consensus splice site. This variant is not present in population databases (gnomAD no frequency). This variant has not been reported in the literature in individuals affected with CHD7-related conditions. Variants that disrupt the consensus splice site are a relatively common cause of aberrant splicing (PMID: 17576681, 9536098). Algorithms developed to predict the effect of sequence changes on RNA splicing suggest that this variant is not likely to affect RNA splicing. In summary, the available evidence is currently insufficient to determine the role of this variant in disease. Therefore, it has been classified as a Variant of Uncertain Significance.

Literature cited by the submitters: PubMed 17576681; PubMed 9536098.